The following is an entry in ClinVar:

NM_004304.5(ALK):c.3901T>A (p.Phe1301Ile)

Gene: ALK (ALK receptor tyrosine kinase; minus strand). Cytogenetic location: 2p23.2.
Variant type: single nucleotide variant.
Coding change: c.3901T>A on transcript NM_004304.5 (MANE Select); coding-DNA position 3901, T replaced by A.
Protein change: p.Phe1301Ile; replaces phenylalanine 1301 with isoleucine.
Molecular consequence: missense variant.
Genome position (GRCh38, 1-based): chr2:29,207,208, A>T on the plus strand (T>A on the coding strand, the complement: ALK is on the minus strand). VCF-style: chr2-29207208-A-T. GRCh37 (hg19) VCF-style: chr2-29430074-A-T.
Other names: c.697T>A, p.Phe233Ile (NM_001353765.2); short protein forms F1301I, F233I.
Identifiers: ClinVar variation 4674657 (VCV004674657.1).

ClinVar aggregate classification (germline): Uncertain significance (1 of 4 stars; one submission).

Conditions:
Hereditary cancer-predisposing syndrome. Also called: Neoplastic Syndromes, Hereditary; Tumor predisposition; Hereditary Cancer Syndrome; Hereditary neoplastic syndrome. Identifiers: Orphanet 140162, MedGen C0027672, MeSH D009386, MONDO:0015356.

Submission:

Ambry Genetics
Classification: Uncertain significance for Hereditary cancer-predisposing syndrome. Last evaluated: 2025-10-11. Review status: criteria provided, single submitter. Criteria: Ambry Variant Classification Scheme 2023. Collection method: clinical testing. Allele origin: germline.
Comment: The p.F1301I variant (also known as c.3901T>A), located in coding exon 26 of the ALK gene, results from a T to A substitution at nucleotide position 3901. The phenylalanine at codon 1301 is replaced by isoleucine, an amino acid with highly similar properties. This amino acid position is conserved. In addition, the in silico prediction for this alteration is inconclusive. Based on the available evidence, the clinical significance of this variant remains unclear.